The following is an entry in ClinVar:

ClinVar aggregate classification (germline): Likely pathogenic (1 of 4 stars; one submission).

Conditions:
Neurodevelopmental disorder. Identifiers: MedGen C1535926, MeSH D065886, MONDO:0700092.

Submission:

Victorian Clinical Genetics Services, Murdoch Childrens Research Institute
Classification: Likely pathogenic for Neurodevelopmental disorder. Last evaluated: 2025-03-27. Review status: criteria provided, single submitter. Criteria: ACMG Guidelines, 2015. Collection method: clinical testing. Allele origin: germline. Affected: yes.
Comment: This variant is classified as Likely pathogenic. Evidence in support of pathogenic classification: Variant is predicted to cause nonsense-mediated decay (NMD) and loss of protein (premature termination codon is located at least 54 nucleotides upstream of the final exon-exon junction); Variant is absent from gnomAD (v2, v3 and v4); Other NMD-predicted variant(s) comparable to the one identified in this case have very strong previous evidence for pathogenicity. NMD-predicted variants have been classified as likely pathogenic in ClinVar, and reported in a research study describing multiple individuals with neurodevelopmental disorder (PMID: 37841849); Additional information: This variant is hemizygous; This gene is associated with X-linked disease; This variant has no previous evidence of pathogenicity; No published segregation evidence has been identified for this variant; No published functional evidence has been identified for this variant; Loss of function is a known mechanism of disease in this gene and is associated with neurodevelopmental disorder (MONDO:0700092), SMARCA1-related.

Literature cited by the submitters: PubMed 37841849.

NM_001282874.2(SMARCA1):c.2122C>T (p.Gln708Ter)

Gene: SMARCA1 (SNF2 related chromatin remodeling ATPase 1; minus strand). Cytogenetic location: Xq25.
Variant type: single nucleotide variant.
Coding change: c.2122C>T on transcript NM_001282874.2 (MANE Select); coding-DNA position 2122, C replaced by T.
Protein change: p.Gln708Ter; replaces glutamine 708 with a stop codon.
Molecular consequence: nonsense.
Genome position (GRCh38, 1-based): chrX:129,487,113, G>A on the plus strand (C>T on the coding strand, the complement: SMARCA1 is on the minus strand). VCF-style: chrX-129487113-G-A. GRCh37 (hg19) VCF-style: chrX-128621090-G-A.
Other names: c.2086C>T, p.Gln696Ter (NM_001282875.2, NM_001378262.1, NM_001378263.1 and 1 more transcripts); c.2122C>T, p.Gln708Ter (NM_001378261.1, NM_003069.5); short protein forms Q696*, Q708*.
Identifiers: ClinVar variation 4532156 (VCV004532156.1).
Genomic context (GRCh38, chrX:129,487,113, plus strand): 5'-TGTATAAACTTTGTTCAATGTCCATTCTAAAATTTCTTAGAGAAGACTCTCCCATTTTTT[G>A]CAGGCGTTCATTCATCTCTGCAGTCTAAAGGTGAAAACATTGAAATGAGAAAATTATCAC-3'